The following is an entry in ClinVar:

NM_020693.4(DSCAML1):c.2813G>A (p.Arg938His)

Gene: DSCAML1 (DS cell adhesion molecule like 1; minus strand). Cytogenetic location: 11q23.3.
Variant type: single nucleotide variant.
Coding change: c.2813G>A on transcript NM_020693.4 (MANE Select); coding-DNA position 2813, G replaced by A.
Protein change: p.Arg938His; replaces arginine 938 with histidine.
Molecular consequence: missense variant.
Genome position (GRCh38, 1-based): chr11:117,472,009, C>T on the plus strand (G>A on the coding strand, the complement: DSCAML1 is on the minus strand). VCF-style: chr11-117472009-C-T. GRCh37 (hg19) VCF-style: chr11-117342724-C-T.
Other names: short protein forms R938H.
Identifiers: ClinVar variation 2177899 (VCV002177899.4), dbSNP rs750535293, ClinGen allele CA6296870.

ClinVar aggregate classification (germline): Uncertain significance (1 of 4 stars; one submission).

Allele frequency attached by ClinVar (database versions not stated): ExAC 0.00001; gnomAD 0.00002; gnomAD exomes 0.00003; TOPMed 0.00005.
gnomAD v4.1: 51 of 1,614,048 alleles (0.0032%); highest among the groups gnomAD compares: Admixed American, 0.005%; no homozygotes.

Submission:

Labcorp Genetics (formerly Invitae), Labcorp
Classification: Uncertain significance. Last evaluated: 2023-12-11. Review status: criteria provided, single submitter. Criteria: Invitae Variant Classification Sherloc (09022015). Collection method: clinical testing. Allele origin: germline.
Comment: This sequence change replaces arginine, which is basic and polar, with histidine, which is basic and polar, at codon 998 of the DSCAML1 protein (p.Arg998His). This variant is present in population databases (rs750535293, gnomAD 0.0009%). This variant has not been reported in the literature in individuals affected with DSCAML1-related conditions. ClinVar contains an entry for this variant (Variation ID: 2177899). An algorithm developed to predict the effect of missense changes on protein structure and function (PolyPhen-2) suggests that this variant is likely to be disruptive. In summary, the available evidence is currently insufficient to determine the role of this variant in disease. Therefore, it has been classified as a Variant of Uncertain Significance.